The following is an entry in ClinVar:

NM_001281775.3(ZMYND8):c.1345A>G (p.Met449Val)

Gene: ZMYND8 (zinc finger MYND-type containing 8; minus strand). Cytogenetic location: 20q13.12.
Variant type: single nucleotide variant.
Coding change: c.1345A>G on transcript NM_001281775.3 (MANE Select); coding-DNA position 1345, A replaced by G.
Protein change: p.Met449Val; replaces methionine 449 with valine.
Molecular consequence: missense variant.
Genome position (GRCh38, 1-based): chr20:47,276,449, T>C on the plus strand (A>G on the coding strand, the complement: ZMYND8 is on the minus strand). VCF-style: chr20-47276449-T-C. GRCh37 (hg19) VCF-style: chr20-45905193-T-C.
Other names: c.1270A>G, p.Met424Val (NM_001281771.3, NM_001281777.3, NM_001281778.3 and 4 more transcripts); c.1285A>G, p.Met429Val (NM_001281772.3, NM_001281773.3, NM_001281774.3 and 1 more transcripts); c.1345A>G, p.Met449Val (NM_001281776.3, NM_001281783.3, NM_012408.6 and 1 more transcripts); c.541A>G, p.Met181Val (NM_001281779.3, NM_001281780.3); c.1366A>G, p.Met456Val (NM_001363714.1); short protein forms M456V, M424V, M449V, M181V, M429V.
Identifiers: ClinVar variation 3819621 (VCV003819621.3).

ClinVar aggregate classification (germline): Uncertain significance. Review status: criteria provided, multiple submitters, no conflicts (2 of 4 stars). 2 submissions from 2 submitters: Uncertain significance (2). Last evaluated 2025-10-16.

gnomAD v4.1: 3 of 1,614,076 alleles (0.00019%); highest among the groups gnomAD compares: Non-Finnish European, 0.00025%; no homozygotes.

Submissions (2):

Dasa
Classification: Uncertain significance. Last evaluated: 2025-10-16. Review status: criteria provided, single submitter. Criteria: DASA Assertion Criteria. Collection method: clinical testing. Allele origin: germline.
Comment: NM_001281775.3(ZMYND8):c.1345A>G (p.Met449Val) is a missense variant that results in the substitution of methionine with valine. This variant is rare in population databases. The currently available literature and clinical evidence are not sufficient to establish a definitive association between this variant and the reported condition. Therefore, this variant is classified as a variant of uncertain significance.

Ambry Genetics
Classification: Uncertain significance. Last evaluated: 2025-01-09. Review status: criteria provided, single submitter. Criteria: Ambry Variant Classification Scheme 2023. Collection method: clinical testing. Allele origin: germline.